The following is an entry in ClinVar:

ClinVar aggregate classification (germline): Likely pathogenic (1 of 4 stars; one submission).

Conditions:
Autosomal recessive nonsyndromic hearing loss 77. Identifiers: Orphanet 90636, MedGen C2746083, MONDO:0013119, OMIM 613079.

Submission:

Natera, Inc.
Classification: Likely pathogenic for Autosomal recessive deafness type 77. Last evaluated: 2025-01-28. Review status: criteria provided, single submitter. Criteria: Natera Variant Classification Schema (03/2026). Collection method: clinical testing. Allele origin: germline.
Comment: The c.805del variant in LOXHD1 is a frameshift variant predicted to shift the reading frame beginning at codon 270 and leads to a stop codon 18 codons downstream. This variant is expected to result in nonsense mediated decay, truncation, or a dysfunctional protein product. This variant is rare in the general population with a frequency below the threshold expected for the associated phenotype(s). Given the available evidence, this variant is classified as Likely Pathogenic.

NM_001384474.1(LOXHD1):c.805del (p.Asn270fs)

Gene: LOXHD1 (lipoxygenase homology PLAT domains 1; minus strand). Cytogenetic location: 18q21.1.
Variant type: Deletion.
Coding change: c.805del on transcript NM_001384474.1 (MANE Select); coding-DNA position 805, one base deleted (C; older notation c.805delC).
Protein change: p.Asn270fs; shifts the reading frame from asparagine 270.
Molecular consequence: frameshift variant.
Genome position (GRCh38, 1-based): chr18:46,604,184, G deleted on the plus strand (C on the coding strand, the reverse complement: LOXHD1 is on the minus strand); the first of 5 consecutive G bases (chr18:46,604,184-46,604,188); deleting any one gives the same sequence. VCF-style (leftmost placement, unchanged base first): chr18-46604183-AG-A. GRCh37 (hg19) VCF-style: chr18-44184146-AG-A.
Other names: c.805del, p.Asn270fs (NM_144612.7); short protein forms N270fs.
Identifiers: ClinVar variation 4070129 (VCV004070129.2).
Genomic context (GRCh38, chr18:46,604,183, plus strand): 5'-CCCACTAAGATATCCCTTTGGATTTTGCCATCGTCTTCGTCCAAGGCCAGCCAGCGGTTA[AG>A]GGGGAAGTCATATTTTCTTTTGTTCCCAATATCTTCAATGACTATCTGGGAAGGAGAAGA-3'